The following is an entry in ClinVar:

NM_001844.5(COL2A1):c.988G>A (p.Gly330Ser)

Gene: COL2A1 (collagen type II alpha 1 chain; minus strand). Cytogenetic location: 12q13.11.
Variant type: single nucleotide variant.
Coding change: c.988G>A on transcript NM_001844.5 (MANE Select); coding-DNA position 988, G replaced by A.
Protein change: p.Gly330Ser; replaces glycine 330 with serine.
Molecular consequence: missense variant.
Genome position (GRCh38, 1-based): chr12:47,992,913, C>T on the plus strand (G>A on the coding strand, the complement: COL2A1 is on the minus strand). VCF-style: chr12-47992913-C-T. GRCh37 (hg19) VCF-style: chr12-48386696-C-T.
Other names: c.781G>A, p.Gly261Ser (NM_033150.3); short protein forms G261S, G330S.
Identifiers: ClinVar variation 1523579 (VCV001523579.6), dbSNP rs2136604937, ClinGen allele CA384555662.
Genomic context (GRCh38, chr12:47,992,913, plus strand): 5'-GTGTTTGGCTTTGTCAATTACTCACCGCAGCGCCAGCAGGGCCAGTCCGTCCTCTTTCAC[C>T]AGGCAGGCCACGAGGACCCTGGAACACACACCAGGACAGCCTAAGCATGAGTTGGCTTTA-3'
Protein context (NP_001835.3, residues 320-340): PGPMGPRGLP[Gly330Ser]ERGRTGPAGA

ClinVar aggregate classification (germline): Likely pathogenic (1 of 4 stars; one submission).

Submission:

Labcorp Genetics (formerly Invitae), Labcorp
Classification: Likely pathogenic. Last evaluated: 2022-06-15. Review status: criteria provided, single submitter. Criteria: Invitae Variant Classification Sherloc (09022015). Collection method: clinical testing. Allele origin: germline.
Comment: In summary, the currently available evidence indicates that the variant is pathogenic, but additional data are needed to prove that conclusively. Therefore, this variant has been classified as Likely Pathogenic. This variant disrupts the triple helix domain of COL2A1. Glycine residues within the Gly-Xaa-Yaa repeats of the triple helix domain are required for the structure and stability of fibrillar collagens (PMID: 7695699, 8218237, 19344236). In COL2A1, variants affecting these glycine residues are significantly enriched in individuals with disease (PMID: 9016532, 17078022) compared to the general population (ExAC). Algorithms developed to predict the effect of sequence changes on RNA splicing suggest that this variant may create or strengthen a splice site. Advanced modeling of protein sequence and biophysical properties (such as structural, functional, and spatial information, amino acid conservation, physicochemical variation, residue mobility, and thermodynamic stability) performed at Invitae indicates that this missense variant is expected to disrupt COL2A1 protein function. This variant has not been reported in the literature in individuals affected with COL2A1-related conditions. This variant is not present in population databases (gnomAD no frequency). This sequence change replaces glycine, which is neutral and non-polar, with serine, which is neutral and polar, at codon 330 of the COL2A1 protein (p.Gly330Ser).

Literature cited by the submitters: PubMed 7695699; PubMed 8218237; PubMed 19344236; PubMed 9016532; PubMed 17078022.